The following is an entry in ClinVar:

ClinVar aggregate classification (germline): Pathogenic (1 of 4 stars; one submission).

Submission:

GeneDx
Classification: Pathogenic. Last evaluated: 2024-08-08. Review status: criteria provided, single submitter. Criteria: GeneDx Variant Classification Process June 2021. Collection method: clinical testing. Allele origin: germline. Affected: yes.
Comment: Has not been previously published as pathogenic or benign to our knowledge; Not observed at significant frequency in large population cohorts (gnomAD); In silico analysis supports that this missense variant has a deleterious effect on protein structure/function; Occurs in the triple helical domain and replaces a glycine in a canonical Gly-X-Y repeat; missense substitution of a canonical glycine residue is expected to disrupt normal protein folding and function, and this is an established mechanism of disease (PMID: 34007986)

NM_001844.5(COL2A1):c.1925G>T (p.Gly642Val)

Gene: COL2A1 (collagen type II alpha 1 chain; minus strand). Cytogenetic location: 12q13.11.
Variant type: single nucleotide variant.
Coding change: c.1925G>T on transcript NM_001844.5 (MANE Select); coding-DNA position 1925, G replaced by T.
Protein change: p.Gly642Val; replaces glycine 642 with valine.
Molecular consequence: missense variant.
Genome position (GRCh38, 1-based): chr12:47,984,103, C>A on the plus strand (G>T on the coding strand, the complement: COL2A1 is on the minus strand). VCF-style: chr12-47984103-C-A. GRCh37 (hg19) VCF-style: chr12-48377886-C-A.
Other names: c.1718G>T, p.Gly573Val (NM_033150.3); short protein forms G642V, G573V.
Identifiers: ClinVar variation 392715 (VCV000392715.5), dbSNP rs1057524602, ClinGen allele CA16606628.
Genomic context (GRCh38, chr12:47,984,103, plus strand): 5'-CCCCTGCCCCCAGGGCCACCTGGGGAGGCTGGGCAGGTACTTACAGCAGGGCCAGGGGGT[C>A]CTGCAGCACCTGTCTCACCATCTTTGCCAGGAAGACCCTAGACAGAAGAGAAAAAGAAAA-3'
Protein context (NP_001835.3, residues 632-652): PGKDGETGAA[Gly642Val]PPGPAGPAGE